The following is an entry in ClinVar:

ClinVar aggregate classification (germline): Likely benign (0 of 4 stars; one submission).

Conditions:
APC-related disorder. Also called: APC-related condition.

Allele frequency attached by ClinVar (database versions not stated): 1000 Genomes Project 30x 0.00016; 1000 Genomes Project 0.00020.
gnomAD v4.1: 6 of 152,324 alleles (0.0039%); highest among the groups gnomAD compares: African/African-American, 0.014%; no homozygotes.

Submission:

PreventionGenetics, part of Exact Sciences
Classification: Likely benign for APC-related condition. Last evaluated: 2019-04-15. Review status: no assertion criteria provided. Collection method: clinical testing. Allele origin: germline.
Comment: This variant is classified as likely benign based on ACMG/AMP sequence variant interpretation guidelines (Richards et al. 2015 PMID: 25741868, with internal and published modifications).

NM_001127511.3(APC):c.166-28911C>T

Gene: APC (APC regulator of Wnt signaling pathway; plus strand). Cytogenetic location: 5q22.2.
Variant type: single nucleotide variant.
Coding change: c.166-28911C>T on transcript NM_001127511.3; 28911 bases into the intron before coding-DNA position 166, C replaced by T.
Molecular consequence: intron variant.
Genome position (GRCh38, 1-based): chr5:112,737,415, C>T. VCF-style: chr5-112737415-C-T. GRCh37 (hg19) VCF-style: chr5-112073112-C-T.
Other names: c.-1053-17458C>T (NM_001407470.1, NM_001407472.1); c.-18-17458C>T (NM_001407447.1, NM_001354895.2, NM_001407456.1 and 7 more transcripts); c.166-28911C>T (NM_001407446.1, NM_001354897.2, NM_001354902.2); c.-42-28911C>T (NM_001407453.1).
Identifiers: ClinVar variation 3040765 (VCV003040765.2), dbSNP rs567736805, ClinGen allele CA124948526.